The following is an entry in ClinVar:

NM_002432.3(MNDA):c.846A>C (p.Glu282Asp)

Gene: MNDA (myeloid cell nuclear differentiation antigen; plus strand). Cytogenetic location: 1q23.1.
Variant type: single nucleotide variant.
Coding change: c.846A>C on transcript NM_002432.3 (MANE Select); coding-DNA position 846, A replaced by C.
Protein change: p.Glu282Asp; replaces glutamic acid 282 with aspartic acid.
Molecular consequence: missense variant.
Genome position (GRCh38, 1-based): chr1:158,845,862, A>C. VCF-style: chr1-158845862-A-C. GRCh37 (hg19) VCF-style: chr1-158815652-A-C.
Other names: short protein forms E282D.
Identifiers: ClinVar variation 2625386 (VCV002625386.2), dbSNP rs2526087973, ClinGen allele CA343041985.
Genomic context (GRCh38, chr1:158,845,862, plus strand): 5'-GAAGAAGGTCATTACCATATCTGATTACTCTGAATGTAAAGGAGTAATGGAAATAAAGGA[A>C]GCATCATCTGTGTCTGACTTTAATCAAAATTTTGAGGTCCCAAACAGAATTATCGAAATA-3'
Protein context (NP_002423.1, residues 272-292): SECKGVMEIK[Glu282Asp]ASSVSDFNQN

ClinVar aggregate classification (germline): Uncertain significance (1 of 4 stars; one submission).

Submission:

Ambry Genetics
Classification: Uncertain significance. Last evaluated: 2023-08-01. Review status: criteria provided, single submitter. Criteria: Ambry Variant Classification Scheme 2023. Collection method: clinical testing. Allele origin: germline.
Comment: The p.E282D variant (also known as c.846A>C), located in coding exon 4 of the MNDA gene, results from an A to C substitution at nucleotide position 846. The glutamic acid at codon 282 is replaced by aspartic acid, an amino acid with highly similar properties. This amino acid position is conserved. In addition, this alteration is predicted to be tolerated by in silico analysis. Since supporting evidence is limited at this time, the clinical significance of this alteration remains unclear.